The following is an entry in ClinVar:

ClinVar aggregate classification (germline): Pathogenic (1 of 4 stars; one submission).

Conditions:
Duchenne muscular dystrophy (DMD). Also called: MUSCULAR DYSTROPHY, PSEUDOHYPERTROPHIC PROGRESSIVE, DUCHENNE TYPE; Duchenne Muscular Dystrophy (DMD). Identifiers: Orphanet 98896, MedGen C0013264, MONDO:0010679, OMIM 310200.

Submission:

Labcorp Genetics (formerly Invitae), Labcorp
Classification: Pathogenic for Duchenne muscular dystrophy. Last evaluated: 2019-07-20. Review status: criteria provided, single submitter. Criteria: Invitae Variant Classification Sherloc (09022015). Collection method: clinical testing. Allele origin: germline.
Comment: This variant is an out-of-frame deletion of the genomic region encompassing exons 45-54 of the DMD gene. This is expected to create a premature translational stop signal and result in an absent or disrupted protein product. Similar deletions have been observed in several individuals affected with a DMD-related muscular dystrophy (PMID: 22090376, 11257468, 15723292, 26911353, 9800909). Loss-of-function variants in DMD are known to be pathogenic (PMID: 16770791, 25007885). For these reasons, this variant has been classified as Pathogenic.

Literature cited by the submitters: PubMed 26911353; PubMed 22090376; PubMed 15723292; PubMed 11257468; PubMed 9800909.

NC_000023.11:g.(?_31657980)_(31968524_?)del

Genes: DMD (dystrophin; minus strand), LOC129391296 (MPRA-validated peak7373 silencer; plus strand). Cytogenetic location: Xp21.1.
Variant type: Deletion.
Identifiers: ClinVar variation 833190 (VCV000833190.1).